The following is an entry in ClinVar:

ClinVar aggregate classification (germline): Uncertain significance (1 of 4 stars; one submission).

Conditions:
Nemaline myopathy 2 (NEM2). Also called: Nemaline myopathy 2, autosomal recessive. Identifiers: MedGen C1850569, MONDO:0009725, OMIM 256030.

Submission:

Labcorp Genetics (formerly Invitae), Labcorp
Classification: Uncertain significance for Nemaline myopathy 2. Last evaluated: 2021-10-05. Review status: criteria provided, single submitter. Criteria: Invitae Variant Classification Sherloc (09022015). Collection method: clinical testing. Allele origin: germline.
Comment: This sequence change replaces lysine with arginine at codon 1616 of the NEB protein (p.Lys1616Arg). The lysine residue is moderately conserved and there is a small physicochemical difference between lysine and arginine. This variant is not present in population databases (ExAC no frequency). This variant has not been reported in the literature in individuals affected with NEB-related conditions. Algorithms developed to predict the effect of missense changes on protein structure and function are either unavailable or do not agree on the potential impact of this missense change (SIFT: "Deleterious"; PolyPhen-2: "Not Available"; Align-GVGD: "Class C0"). In summary, the available evidence is currently insufficient to determine the role of this variant in disease. Therefore, it has been classified as a Variant of Uncertain Significance.

NM_001164508.2(NEB):c.4847A>G (p.Lys1616Arg)

Gene: NEB (nebulin; minus strand). Cytogenetic location: 2q23.3.
Variant type: single nucleotide variant.
Coding change: c.4847A>G on transcript NM_001164508.2 (MANE Select); coding-DNA position 4847, A replaced by G.
Protein change: p.Lys1616Arg; replaces lysine 1616 with arginine.
Molecular consequence: missense variant.
Genome position (GRCh38, 1-based): chr2:151,666,274, T>C on the plus strand (A>G on the coding strand, the complement: NEB is on the minus strand). VCF-style: chr2-151666274-T-C. GRCh37 (hg19) VCF-style: chr2-152522788-T-C.
Other names: c.4847A>G, p.Lys1616Arg (NM_001164507.2, NM_001271208.2, NM_004543.5); short protein forms K1616R.
Identifiers: ClinVar variation 1972944 (VCV001972944.2), dbSNP rs2552258257, ClinGen allele CA348813694.